The following is an entry in ClinVar:

ClinVar aggregate classification (germline): Benign (1 of 4 stars; one submission).

Allele frequency attached by ClinVar (database versions not stated): gnomAD 0.12452 and 0.13055; TOPMed 0.12645; gnomAD exomes 0.14685; 1000 Genomes Project 30x 0.19222; 1000 Genomes Project 0.20028.
gnomAD v4.1: 119,789 of 830,184 alleles (14%); highest among the groups gnomAD compares: East Asian, 37%; 10,345 homozygotes.

Submission:

GeneDx
Classification: Benign. Last evaluated: 2018-06-14. Review status: criteria provided, single submitter. Criteria: GeneDx Variant Classification (06012015). Collection method: clinical testing. Allele origin: germline. Affected: yes.
Comment: This variant is considered likely benign or benign based on one or more of the following criteria: it is a conservative change, it occurs at a poorly conserved position in the protein, it is predicted to be benign by multiple in silico algorithms, and/or has population frequency not consistent with disease.

NM_032119.4(ADGRV1):c.10054-74A>G

Gene: ADGRV1 (adhesion G protein-coupled receptor V1; plus strand). Cytogenetic location: 5q14.3.
Variant type: single nucleotide variant.
Coding change: c.10054-74A>G on transcript NM_032119.4 (MANE Select); 74 bases into the intron before coding-DNA position 10054, A replaced by G.
Molecular consequence: intron variant.
Genome position (GRCh38, 1-based): chr5:90,725,475, A>G. VCF-style: chr5-90725475-A-G. GRCh37 (hg19) VCF-style: chr5-90021292-A-G.
Identifiers: ClinVar variation 678804 (VCV000678804.1), dbSNP rs16869043, ClinGen allele CA122809036.
Genomic context (GRCh38, chr5:90,725,475, plus strand): 5'-CTTAGTTATGTGTAGCTTGGTATTAAAATTTTTTAAGTCTTGCACTTCAGATTTTAACTC[A>G]TGCTATTAGTGTGTTCAGTGGCTTTCTTAGTTCAACTCTCCTTTAAGTTTTCATTCCCAC-3'